The following is an entry in ClinVar:

ClinVar aggregate classification (germline): Conflicting classifications of pathogenicity. Review status: criteria provided, conflicting classifications (1 of 4 stars). 2 submissions from 2 submitters: Uncertain significance (1); Likely benign (1). Last evaluated 2024-06-05.

Conditions:
Developmental and epileptic encephalopathy, 36 (DEE36). Also called: Congenital disorder of glycosylation, type Is; Epileptic encephalopathy, early infantile, 36; ALG13-CDG. Identifiers: Orphanet 324422, MedGen C4317295, MONDO:0010472, OMIM 300884.

gnomAD v4.1: 37 of 1,001,990 alleles (0.0037%); highest among the groups gnomAD compares: South Asian, 0.075%; no homozygotes.

Submissions (2):

Labcorp Genetics (formerly Invitae), Labcorp
Classification: Uncertain significance for Developmental and epileptic encephalopathy, 36. Last evaluated: 2024-06-05. Review status: criteria provided, single submitter. Criteria: Invitae Variant Classification Sherloc (09022015). Collection method: clinical testing. Allele origin: germline.
Comment: This sequence change replaces proline, which is neutral and non-polar, with leucine, which is neutral and non-polar, at codon 932 of the ALG13 protein (p.Pro932Leu). The frequency data for this variant in the population databases is considered unreliable, as metrics indicate poor data quality at this position in the gnomAD database. This variant has not been reported in the literature in individuals affected with ALG13-related conditions. ClinVar contains an entry for this variant (Variation ID: 514705). An algorithm developed to predict the effect of missense changes on protein structure and function (PolyPhen-2) suggests that this variant¬†is likely to be tolerated. In summary, the available evidence is currently insufficient to determine the role of this variant in disease. Therefore, it has been classified as a Variant of Uncertain Significance.

GeneDx
Classification: Likely benign. Last evaluated: 2018-01-19. Review status: criteria provided, single submitter. Criteria: GeneDx Variant Classification (06012015). Collection method: clinical testing. Allele origin: germline. Affected: yes.
Comment: This variant is considered likely benign or benign based on one or more of the following criteria: it is a conservative change, it occurs at a poorly conserved position in the protein, it is predicted to be benign by multiple in silico algorithms, and/or has population frequency not consistent with disease.

NM_001099922.3(ALG13):c.2795C>T (p.Pro932Leu)

Gene: ALG13 (ALG13 UDP-N-acetylglucosaminyltransferase subunit; plus strand). Cytogenetic location: Xq23.
Variant type: single nucleotide variant.
Coding change: c.2795C>T on transcript NM_001099922.3 (MANE Select); coding-DNA position 2795, C replaced by T.
Protein change: p.Pro932Leu; replaces proline 932 with leucine.
Molecular consequence: missense variant. On other transcripts: intron variant (5).
Genome position (GRCh38, 1-based): chrX:111,744,767, C>T. VCF-style: chrX-111744767-C-T. GRCh37 (hg19) VCF-style: chrX-110987995-C-T.
Other names: c.2561C>T, p.Pro854Leu (NM_001257231.2); c.2383+7888C>T (NM_001257237.2, NM_001257234.2, NM_001257230.2); c.2209+7888C>T (NM_001324293.1); c.2695+7888C>T (NM_001324292.2); short protein forms P932L, P854L.
Identifiers: ClinVar variation 514705 (VCV000514705.6), dbSNP rs773392173, ClinGen allele CA10493976.